The following is an entry in ClinVar:

NM_015488.5(PNKD):c.538G>A (p.Gly180Arg)

Genes: CATIP-AS2 (CATIP antisense RNA 2; minus strand), PNKD (PNKD metallo-beta-lactamase domain containing; plus strand). Cytogenetic location: 2q35.
Variant type: single nucleotide variant.
Coding change: c.538G>A on transcript NM_015488.5 (MANE Select); coding-DNA position 538, G replaced by A.
Protein change: p.Gly180Arg; replaces glycine 180 with arginine.
Molecular consequence: missense variant.
Genome position (GRCh38, 1-based): chr2:218,341,547, G>A. VCF-style: chr2-218341547-G-A. GRCh37 (hg19) VCF-style: chr2-219206270-G-A.
Other names: c.466G>A, p.Gly156Arg (NM_022572.5); short protein forms G156R, G180R.
Identifiers: ClinVar variation 1026902 (VCV001026902.9), dbSNP rs1694676419, ClinGen allele CA350540333.

ClinVar aggregate classification (germline): Uncertain significance. Review status: criteria provided, multiple submitters, no conflicts (2 of 4 stars). 2 submissions from 2 submitters: Uncertain significance (2). Last evaluated 2022-05-04.

Conditions:
Paroxysmal nonkinesigenic dyskinesia. Also called: Paroxysmal non-kinesigenic dyskinesia. Identifiers: Orphanet 98810, MedGen C1869117, MONDO:0700088.

Submissions (2):

Mendelics
Classification: Uncertain significance. Last evaluated: 2022-05-04. Review status: criteria provided, single submitter. Criteria: Mendelics Assertion Criteria 2019. Collection method: clinical testing. Allele origin: germline.

Labcorp Genetics (formerly Invitae), Labcorp
Classification: Uncertain significance for Paroxysmal nonkinesigenic dyskinesia. Last evaluated: 2020-06-30. Review status: criteria provided, single submitter. Criteria: Invitae Variant Classification Sherloc (09022015). Collection method: clinical testing. Allele origin: germline.
Comment: In summary, the available evidence is currently insufficient to determine the role of this variant in disease. Therefore, it has been classified as a Variant of Uncertain Significance. Algorithms developed to predict the effect of missense changes on protein structure and function are either unavailable or do not agree on the potential impact of this missense change (SIFT: "Deleterious"; PolyPhen-2: "Probably Damaging"; Align-GVGD: "Class C15"). This variant has not been reported in the literature in individuals with PNKD-related conditions. This variant is not present in population databases (ExAC no frequency). This sequence change replaces glycine with arginine at codon 180 of the PNKD protein (p.Gly180Arg). The glycine residue is highly conserved and there is a moderate physicochemical difference between glycine and arginine.